The following is an entry in ClinVar:

NM_020937.4(FANCM):c.4692T>G (p.Ile1564Met)

Gene: FANCM (FA complementation group M; plus strand). Cytogenetic location: 14q21.2.
Variant type: single nucleotide variant.
Coding change: c.4692T>G on transcript NM_020937.4 (MANE Select); coding-DNA position 4692, T replaced by G.
Protein change: p.Ile1564Met; replaces isoleucine 1564 with methionine.
Molecular consequence: missense variant.
Genome position (GRCh38, 1-based): chr14:45,187,800, T>G. VCF-style: chr14-45187800-T-G. GRCh37 (hg19) VCF-style: chr14-45657003-T-G.
Other names: c.4614T>G, p.Ile1538Met (NM_001308133.2); short protein forms I1564M, I1538M.
Identifiers: ClinVar variation 5036639 (VCV005036639.1).

ClinVar aggregate classification (germline): Uncertain significance (1 of 4 stars; one submission).

Conditions:
Inborn genetic diseases. Identifiers: MedGen C0950123, MeSH D030342.

Submission:

Ambry Genetics
Classification: Uncertain significance for Inborn genetic diseases. Last evaluated: 2026-07-23. Review status: criteria provided, single submitter. Criteria: Ambry Variant Classification Scheme 2023. Collection method: clinical testing. Allele origin: germline.
Comment: The p.I1564M variant (also known as c.4692T>G), located in coding exon 19 of the FANCM gene, results from a T to G substitution at nucleotide position 4692. The isoleucine at codon 1564 is replaced by methionine, an amino acid with highly similar properties. This amino acid position is conserved. In addition, this alteration is predicted to be tolerated by in silico analysis. Based on the available evidence, the clinical significance of this variant remains unclear.